The following is an entry in ClinVar:

NM_024923.4(NUP210):c.*1195T>C

Gene: NUP210 (nucleoporin 210; minus strand). Cytogenetic location: 3p25.1.
Variant type: single nucleotide variant.
Coding change: c.*1195T>C on transcript NM_024923.4 (MANE Select); 1195 bases downstream of the stop codon, T replaced by C.
Molecular consequence: 3 prime UTR variant.
Genome position (GRCh38, 1-based): chr3:13,316,486, A>G on the plus strand (T>C on the coding strand, the complement: NUP210 is on the minus strand). VCF-style: chr3-13316486-A-G. GRCh37 (hg19) VCF-style: chr3-13357986-A-G.
Identifiers: ClinVar variation 1182190 (VCV001182190.3), dbSNP rs354476, ClinGen allele CA11494419.
Genomic context (GRCh38, chr3:13,316,486, plus strand): 5'-TCCACACAGCGTCCACGCATGGATGGCCATGGGCATGAGTCTCTGGATCTCCCTGAGGGT[A>G]GCCCAGCCTCGGCCTGGAGCACAGGGGCCTGTGATCTGAGAATCTCAGATCCAGAATCAG-3'

ClinVar aggregate classification (germline): Benign. Review status: criteria provided, multiple submitters, no conflicts (2 of 4 stars). 2 submissions from 2 submitters: Benign (2). Last evaluated 2020-04-29.

Allele frequency attached by ClinVar (database versions not stated): TOPMed 0.52049; gnomAD exomes 0.55882; 1000 Genomes Project 30x 0.59635; 1000 Genomes Project 0.60064.
gnomAD v4.1: 79,174 of 152,192 alleles (52%); highest among the groups gnomAD compares: East Asian, 69%; 20,743 homozygotes.

Submissions (2):

GeneDx
Classification: Benign. Last evaluated: 2020-04-29. Review status: criteria provided, single submitter. Criteria: GeneDx Variant Classification Process June 2021. Collection method: clinical testing. Allele origin: germline. Affected: yes.
Comment: This variant is associated with the following publications: (PMID: 22282400)

Breakthrough Genomics
Classification: Benign. Review status: criteria provided, single submitter. Criteria: ACMG Guidelines, 2015. Collection method: not provided. Allele origin: germline. Inheritance: Unknown mechanism. Affected: yes.